The following is an entry in ClinVar:

NM_014915.3(ANKRD26):c.632T>C (p.Leu211Ser)

Gene: ANKRD26 (ankyrin repeat domain 26; minus strand). Cytogenetic location: 10p12.1.
Variant type: single nucleotide variant.
Coding change: c.632T>C on transcript NM_014915.3 (MANE Select); coding-DNA position 632, T replaced by C.
Protein change: p.Leu211Ser; replaces leucine 211 with serine.
Molecular consequence: missense variant.
Genome position (GRCh38, 1-based): chr10:27,092,412, A>G on the plus strand (T>C on the coding strand, the complement: ANKRD26 is on the minus strand). VCF-style: chr10-27092412-A-G. GRCh37 (hg19) VCF-style: chr10-27381341-A-G.
Other names: c.632T>C, p.Leu211Ser (NM_001256053.2); short protein forms L211S.
Identifiers: ClinVar variation 5023544 (VCV005023544.1).

ClinVar aggregate classification (germline): Uncertain significance (1 of 4 stars; one submission).

Conditions:
Inborn genetic diseases. Identifiers: MedGen C0950123, MeSH D030342.

Submission:

Ambry Genetics
Classification: Uncertain significance for Inborn genetic diseases. Last evaluated: 2026-08-15. Review status: criteria provided, single submitter. Criteria: Ambry Variant Classification Scheme 2023. Collection method: clinical testing. Allele origin: germline.
Comment: The p.L211S variant (also known as c.632T>C), located in coding exon 4 of the ANKRD26 gene, results from a T to C substitution at nucleotide position 632. The leucine at codon 211 is replaced by serine, an amino acid with dissimilar properties. This amino acid position is conserved. In addition, this alteration is predicted to be tolerated by in silico analysis. Based on the available evidence, the clinical significance of this variant remains unclear.